The following is an entry in ClinVar:

ClinVar aggregate classification (germline): Conflicting classifications of pathogenicity. Review status: criteria provided, conflicting classifications (1 of 4 stars). 3 submissions from 3 submitters: Uncertain significance (1); Likely benign (2). Last evaluated 2024-12-02.

Conditions:
Macrothrombocytopenia, isolated, 1, autosomal dominant (MACTHC1). Also called: Autosomal dominant macrothrombocytopenia TUBB1-related. Identifiers: Orphanet 140957, MedGen C5676892, MONDO:0800047, OMIM 613112.

Allele frequency attached by ClinVar (database versions not stated): gnomAD 0.00001; gnomAD exomes 0.00001 and 0.00003; TOPMed 0.00002.

Submissions (3):

Labcorp Genetics (formerly Invitae), Labcorp
Classification: Likely benign. Last evaluated: 2024-12-02. Review status: criteria provided, single submitter. Criteria: Invitae Variant Classification Sherloc (09022015). Collection method: clinical testing. Allele origin: germline.

Blueprint Genetics
Classification: Likely benign. Last evaluated: 2024-05-22. Review status: criteria provided, single submitter. Criteria: ACMG Guidelines, 2015. Collection method: clinical testing. Allele origin: germline.

ISTH-SSC Genomics in Thrombosis and Hemostasis, KU Leuven, Center for Molecular and Vascular Biology
Classification: Uncertain significance for Macrothrombocytopenia, isolated, 1, autosomal dominant. Review status: criteria provided, single submitter. Criteria: ACMG Guidelines, 2015. Collection method: clinical testing. Allele origin: unknown. Affected: yes.
Comment: Submitted to GoldVariant by Kathleen Freson, Center for Molecular and Vascular Biology, Leuven, Belgium

Literature cited by the submitters: PubMed 34355501 (cited by ISTH-SSC Genomics in Thrombosis and Hemostasis, KU Leuven, Center for Molecular and Vascular Biology).

NM_030773.4(TUBB1):c.167-7T>C

Gene: TUBB1 (tubulin beta 1 class VI; plus strand). Cytogenetic location: 20q13.32.
Variant type: single nucleotide variant.
Coding change: c.167-7T>C on transcript NM_030773.4 (MANE Select); 7 bases into the intron before coding-DNA position 167, T replaced by C.
Molecular consequence: intron variant.
Genome position (GRCh38, 1-based): chr20:59,023,483, T>C. VCF-style: chr20-59023483-T-C. GRCh37 (hg19) VCF-style: chr20-57598538-T-C.
Identifiers: ClinVar variation 1676730 (VCV001676730.4), dbSNP rs968442498, ClinGen allele CA316327972.